The following is an entry in ClinVar:

NM_001184880.2(PCDH19):c.634G>C (p.Asp212His)

Gene: PCDH19 (protocadherin 19; minus strand). Cytogenetic location: Xq22.1.
Variant type: single nucleotide variant.
Coding change: c.634G>C on transcript NM_001184880.2 (MANE Select); coding-DNA position 634, G replaced by C.
Protein change: p.Asp212His; replaces aspartic acid 212 with histidine.
Molecular consequence: missense variant.
Genome position (GRCh38, 1-based): chrX:100,407,964, C>G on the plus strand (G>C on the coding strand, the complement: PCDH19 is on the minus strand). VCF-style: chrX-100407964-C-G. GRCh37 (hg19) VCF-style: chrX-99662962-C-G.
Other names: p.D212H:GAC>CAC; c.634G>C, p.Asp212His (NM_001105243.2, NM_020766.3); short protein forms D212H.
Identifiers: ClinVar variation 206320 (VCV000206320.3), dbSNP rs796052806, ClinGen allele CA316316.

ClinVar aggregate classification (germline): Likely pathogenic (1 of 4 stars; one submission).

Submission:

GeneDx
Classification: Likely pathogenic. Last evaluated: 2020-02-04. Review status: criteria provided, single submitter. Criteria: GeneDx Variant Classification Process June 2021. Collection method: clinical testing. Allele origin: germline. Affected: yes.
Comment: Not observed in large population cohorts (Lek et al., 2016); Missense variants in this gene are often considered pathogenic (Stenson et al., 2014); In silico analysis supports that this missense variant has a deleterious effect on protein structure/function; This variant is associated with the following publications: (PMID: 28837158)